The following is an entry in ClinVar:

ClinVar aggregate classification (germline): Uncertain significance (1 of 4 stars; one submission).

Conditions:
Inborn genetic diseases. Identifiers: MedGen C0950123, MeSH D030342.

Submission:

Ambry Genetics
Classification: Uncertain significance for Inborn genetic diseases. Last evaluated: 2023-10-12. Review status: criteria provided, single submitter. Criteria: Ambry Variant Classification Scheme 2023. Collection method: clinical testing. Allele origin: germline.
Comment: The p.P417R variant (also known as c.1250C>G), located in coding exon 10 of the ACD gene, results from a C to G substitution at nucleotide position 1250. The proline at codon 417 is replaced by arginine, an amino acid with dissimilar properties. This amino acid position is conserved. In addition, this alteration is predicted to be tolerated by in silico analysis. Since supporting evidence is limited at this time, the clinical significance of this alteration remains unclear.

NM_001082486.2(ACD):c.992C>G (p.Pro331Arg)

Gene: ACD (ACD shelterin complex subunit and telomerase recruitment factor; minus strand). Cytogenetic location: 16q22.1.
Variant type: single nucleotide variant.
Coding change: c.992C>G on transcript NM_001082486.2 (MANE Select); coding-DNA position 992, C replaced by G.
Protein change: p.Pro331Arg; replaces proline 331 with arginine.
Molecular consequence: missense variant.
Genome position (GRCh38, 1-based): chr16:67,658,200, G>C on the plus strand (C>G on the coding strand, the complement: ACD is on the minus strand). VCF-style: chr16-67658200-G-C. GRCh37 (hg19) VCF-style: chr16-67692103-G-C.
Other names: c.905C>G, p.Pro302Arg (NM_001410884.1); c.983C>G, p.Pro328Arg (NM_022914.3); short protein forms P302R, P328R, P331R.
Identifiers: ClinVar variation 3232638 (VCV003232638.1), dbSNP rs1265024699, ClinGen allele CA396352561.